The following is an entry in ClinVar:

NM_003002.4(SDHD):c.185C>T (p.Ala62Val)

Gene: SDHD (succinate dehydrogenase complex subunit D; plus strand). Cytogenetic location: 11q23.1.
Variant type: single nucleotide variant.
Coding change: c.185C>T on transcript NM_003002.4 (MANE Select); coding-DNA position 185, C replaced by T.
Protein change: p.Ala62Val; replaces alanine 62 with valine.
Molecular consequence: missense variant. On other transcripts: non-coding transcript variant (1), intron variant (1).
Genome position (GRCh38, 1-based): chr11:112,088,882, C>T. VCF-style: chr11-112088882-C-T. GRCh37 (hg19) VCF-style: chr11-111959606-C-T.
Other names: c.68C>T, p.Ala23Val (NM_001276504.2); c.185C>T, p.Ala62Val (NM_001276506.2); c.169+909C>T (NM_001276503.2); short protein forms A23V, A62V.
Identifiers: ClinVar variation 3951423 (VCV003951423.1).
Genomic context (GRCh38, chr11:112,088,882, plus strand): 5'-GTGTGTTTCTCACATCAACTTTTATGAATCTGGTCCTTTTTGTAGCTGGCTCCAAGGCTG[C>T]ATCTCTCCACTGGACTAGCGAGAGGGTTGTCAGTGTTTTGCTCCTGGGTCTGCTTCCGGC-3'
Protein context (NP_002993.1, residues 52-72): SPSHHSGSKA[Ala62Val]SLHWTSERVV

ClinVar aggregate classification (germline): Uncertain significance (1 of 4 stars; one submission).

Conditions:
Hereditary cancer-predisposing syndrome. Also called: Tumor predisposition; Hereditary neoplastic syndrome; Hereditary Cancer Syndrome; Neoplastic Syndromes, Hereditary. Identifiers: Orphanet 140162, MedGen C0027672, MeSH D009386, MONDO:0015356.

Submission:

Ambry Genetics
Classification: Uncertain significance for Hereditary cancer-predisposing syndrome. Last evaluated: 2025-04-07. Review status: criteria provided, single submitter. Criteria: Ambry Variant Classification Scheme 2023. Collection method: clinical testing. Allele origin: germline.
Comment: The p.A62V variant (also known as c.185C>T), located in coding exon 3 of the SDHD gene, results from a C to T substitution at nucleotide position 185. The alanine at codon 62 is replaced by valine, an amino acid with similar properties. This amino acid position is highly conserved in available vertebrate species. In addition, this alteration is predicted to be deleterious by in silico analysis. Based on the available evidence, the clinical significance of this variant remains unclear.